The following is an entry in ClinVar:

NM_000321.3(RB1):c.2531A>T (p.Lys844Met)

Gene: RB1 (RB transcriptional corepressor 1; plus strand). Cytogenetic location: 13q14.2.
Variant type: single nucleotide variant.
Coding change: c.2531A>T on transcript NM_000321.3 (MANE Select); coding-DNA position 2531, A replaced by T.
Protein change: p.Lys844Met; replaces lysine 844 with methionine.
Molecular consequence: missense variant. On other transcripts: 5 prime UTR variant (1).
Genome position (GRCh38, 1-based): chr13:48,476,711, A>T. VCF-style: chr13-48476711-A-T. GRCh37 (hg19) VCF-style: chr13-49050847-A-T.
Other names: c.2531A>T, p.Lys844Met (NM_001407165.1); c.-20A>T (NM_001407168.1); short protein forms K844M.
Identifiers: ClinVar variation 5027998 (VCV005027998.1).

ClinVar aggregate classification (germline): Uncertain significance (1 of 4 stars; one submission).

Conditions:
Hereditary cancer-predisposing syndrome. Also called: Neoplastic Syndromes, Hereditary; Tumor predisposition; Hereditary neoplastic syndrome; Hereditary Cancer Syndrome. Identifiers: Orphanet 140162, MedGen C0027672, MeSH D009386, MONDO:0015356.

Submission:

Ambry Genetics
Classification: Uncertain significance for Hereditary cancer-predisposing syndrome. Last evaluated: 2026-09-11. Review status: criteria provided, single submitter. Criteria: Ambry Variant Classification Scheme 2023. Collection method: clinical testing. Allele origin: germline.
Comment: The p.K844M variant (also known as c.2531A>T), located in coding exon 25 of the RB1 gene, results from an A to T substitution at nucleotide position 2531. The lysine at codon 844 is replaced by methionine, an amino acid with similar properties. This amino acid position is conserved. In addition, the in silico prediction for this alteration is inconclusive. Based on the available evidence, the clinical significance of this variant remains unclear.